The following is an entry in ClinVar:

NM_001849.4(COL6A2):c.893G>A (p.Gly298Glu)

Gene: COL6A2 (collagen type VI alpha 2 chain; plus strand). Cytogenetic location: 21q22.3.
Variant type: single nucleotide variant.
Coding change: c.893G>A on transcript NM_001849.4 (MANE Select); coding-DNA position 893, G replaced by A.
Protein change: p.Gly298Glu; replaces glycine 298 with glutamic acid.
Molecular consequence: missense variant.
Genome position (GRCh38, 1-based): chr21:46,116,046, G>A. VCF-style: chr21-46116046-G-A. GRCh37 (hg19) VCF-style: chr21-47535960-G-A.
Other names: c.893G>A, p.Gly298Glu (NM_058174.3, NM_058175.3); short protein forms G298E.
Identifiers: ClinVar variation 3775946 (VCV003775946.1).

ClinVar aggregate classification (germline): Pathogenic (1 of 4 stars; one submission).

Conditions:
Ullrich congenital muscular dystrophy 1A. Also called: Intermediate COL6-RD; Ullrich congenital muscular dystrophy 1. Identifiers: Orphanet 75840, MedGen C0410179, MONDO:0009681, OMIM 254090.

Submission:

3billion
Classification: Pathogenic for Ullrich congenital muscular dystrophy 1A. Last evaluated: 2024-02-22. Review status: criteria provided, single submitter. Criteria: ACMG Guidelines, 2015. Collection method: clinical testing. Allele origin: germline. Affected: yes.
Comment: The variant is not observed in the gnomAD v2.1.1 dataset. Predicted Consequence/Location: Missense variant In silico tool predictions suggest damaging effect of the variant on gene or gene product [REVEL: 0.98 (>=0.6, sensitivity 0.68 and specificity 0.92); 3Cnet: 1.00 (>=0.6, sensitivity 0.72 and precision 0.9)]. Same nucleotide change resulting in same amino acid change has been previously reported to be associated with COL6A2 related disorderand confirmed to be de novo (PMID: 34167565).Different missense changes at the same codon (p.Gly298Ala, p.Gly298Arg, p.Gly298Val) have been reported as pathogenic/likely pathogenic with strong evidence (ClinVar ID: VCV000210750, VCV000594119, VCV000855625, VCV001324137 /PMID: 18825676, 32528171). Therefore, this variant is classified as Pathogenic according to the recommendation of ACMG/AMP guideline.

Literature cited by the submitters: PubMed 34167565; PubMed 18825676.